The following is an entry in ClinVar:

ClinVar aggregate classification (germline): Uncertain significance (1 of 4 stars; one submission).

Conditions:
Fanconi anemia (FA). Also called: Fanconi's anemia. Identifiers: Orphanet 84, MedGen C0015625, MeSH D005199, MONDO:0019391.

Submission:

Labcorp Genetics (formerly Invitae), Labcorp
Classification: Uncertain significance for Fanconi anemia. Last evaluated: 2022-12-24. Review status: criteria provided, single submitter. Criteria: Invitae Variant Classification Sherloc (09022015). Collection method: clinical testing. Allele origin: germline.
Comment: Variants that disrupt the consensus splice site are a relatively common cause of aberrant splicing (PMID: 17576681, 9536098). Algorithms developed to predict the effect of sequence changes on RNA splicing suggest that this variant may create or strengthen a splice site. In summary, the available evidence is currently insufficient to determine the role of this variant in disease. Therefore, it has been classified as a Variant of Uncertain Significance. This variant is not present in population databases (gnomAD no frequency). This sequence change falls in intron 7 of the FANCM gene. It does not directly change the encoded amino acid sequence of the FANCM protein. It affects a nucleotide within the consensus splice site. This variant has not been reported in the literature in individuals affected with FANCM-related conditions.

Literature cited by the submitters: PubMed 17576681; PubMed 9536098.

NM_020937.4(FANCM):c.1309+3C>G

Gene: FANCM (FA complementation group M; plus strand). Cytogenetic location: 14q21.2.
Variant type: single nucleotide variant.
Coding change: c.1309+3C>G on transcript NM_020937.4 (MANE Select); 3 bases into the intron after coding-DNA position 1309, C replaced by G.
Molecular consequence: intron variant.
Genome position (GRCh38, 1-based): chr14:45,154,825, C>G. VCF-style: chr14-45154825-C-G. GRCh37 (hg19) VCF-style: chr14-45624028-C-G.
Other names: c.1231+3C>G (NM_001308133.2); c.1309+3C>G (NM_001308134.2).
Identifiers: ClinVar variation 3001024 (VCV003001024.3), dbSNP rs1465972385, ClinGen allele CA2740097074.